The following is an entry in ClinVar:

ClinVar aggregate classification (germline): Uncertain significance. Review status: criteria provided, multiple submitters, no conflicts (2 of 4 stars). 4 submissions from 4 submitters: Uncertain significance (4). Last evaluated 2025-05-07.

Conditions:
Familial thoracic aortic aneurysm and aortic dissection (TAAD). Also called: Thoracic aortic aneurysms and dissections. Identifiers: Orphanet 91387, MedGen C4707243, MONDO:0019625.
Aortic aneurysm, familial thoracic 4 (AAT4). Also called: AORTIC ANEURYSM/AORTIC DISSECTION AND PATENT DUCTUS ARTERIOSUS. Identifiers: MedGen C1851504, MONDO:0007568, OMIM 132900.

Submissions (4):

Labcorp Genetics (formerly Invitae), Labcorp
Classification: Uncertain significance for Aortic aneurysm, familial thoracic 4. Last evaluated: 2025-05-07. Review status: criteria provided, single submitter. Criteria: Invitae Variant Classification Sherloc (09022015). Collection method: clinical testing. Allele origin: germline.
Comment: This sequence change replaces alanine, which is neutral and non-polar, with glycine, which is neutral and non-polar, at codon 32 of the MYH11 protein (p.Ala32Gly). This variant is not present in population databases (gnomAD no frequency). This variant has not been reported in the literature in individuals affected with MYH11-related conditions. ClinVar contains an entry for this variant (Variation ID: 2682345). Invitae Evidence Modeling of protein sequence and biophysical properties (such as structural, functional, and spatial information, amino acid conservation, physicochemical variation, residue mobility, and thermodynamic stability) indicates that this missense variant is not expected to disrupt MYH11 protein function with a negative predictive value of 95%. In summary, the available evidence is currently insufficient to determine the role of this variant in disease. Therefore, it has been classified as a Variant of Uncertain Significance.

Ambry Genetics
Classification: Uncertain significance for Familial thoracic aortic aneurysm and aortic dissection. Last evaluated: 2024-05-27. Review status: criteria provided, single submitter. Criteria: Ambry Variant Classification Scheme 2023. Collection method: clinical testing. Allele origin: germline.
Comment: The p.A32G variant (also known as c.95C>G), located in coding exon 1 of the MYH11 gene, results from a C to G substitution at nucleotide position 95. The alanine at codon 32 is replaced by glycine, an amino acid with similar properties. This amino acid position is conserved. In addition, the in silico prediction for this alteration is inconclusive. Based on the available evidence, the clinical significance of this variant remains unclear.

Women's Health and Genetics/Laboratory Corporation of America, LabCorp
Classification: Uncertain significance. Last evaluated: 2023-11-06. Review status: criteria provided, single submitter. Criteria: LabCorp Variant Classification Summary - May 2015. Collection method: clinical testing. Allele origin: germline.

All of Us Research Program, National Institutes of Health
Classification: Uncertain significance for Familial thoracic aortic aneurysm and aortic dissection. Last evaluated: 2023-10-23. Review status: criteria provided, single submitter. Criteria: ACMG Guidelines, 2015. Collection method: clinical testing. Allele origin: germline. Inheritance: Autosomal dominant inheritance. Observed: 1 variant allele, 1 heterozygote.
Comment: This missense variant replaces alanine with glycine at codon 32 of the MYH11 protein. Computational prediction suggests that this variant may not impact protein structure and function (internally defined REVEL score threshold <= 0.5, PMID: 27666373). To our knowledge, functional studies have not been reported for this variant. This variant has not been reported in individuals affected with MYH11-related disorders in the literature. This variant has not been identified in the general population by the Genome Aggregation Database (gnomAD). The available evidence is insufficient to determine the role of this variant in disease conclusively. Therefore, this variant is classified as a Variant of Uncertain Significance.

This study involves interpretation of variants in research participants for the purpose of population health screening. Participant phenotype was not available at the time of variant classification. Additional details can be found in publication PMID: 35346344, PMCID: PMC8962531

NM_002474.3(MYH11):c.95C>G (p.Ala32Gly)

Gene: MYH11 (myosin heavy chain 11; minus strand). Cytogenetic location: 16p13.11.
Variant type: single nucleotide variant.
Coding change: c.95C>G on transcript NM_002474.3 (MANE Select); coding-DNA position 95, C replaced by G.
Protein change: p.Ala32Gly; replaces alanine 32 with glycine.
Molecular consequence: missense variant.
Genome position (GRCh38, 1-based): chr16:15,838,158, G>C on the plus strand (C>G on the coding strand, the complement: MYH11 is on the minus strand). VCF-style: chr16-15838158-G-C. GRCh37 (hg19) VCF-style: chr16-15932015-G-C.
Other names: c.95C>G (NM_002474.2); c.95C>G, p.Ala32Gly (NM_001040113.2, NM_001040114.2, NM_022844.3); short protein forms A32G.
Identifiers: ClinVar variation 2682345 (VCV002682345.6), dbSNP rs2043954639, ClinGen allele CA395198704.